The following is an entry in ClinVar:

NM_001429.4(EP300):c.3468G>T (p.Val1156=)

Gene: EP300 (EP300 lysine acetyltransferase; plus strand). Cytogenetic location: 22q13.2.
Variant type: single nucleotide variant.
Coding change: c.3468G>T on transcript NM_001429.4 (MANE Select); coding-DNA position 3468, G replaced by T.
Protein change: p.Val1156=; no amino-acid change (valine 1156 retained).
Molecular consequence: synonymous variant.
Genome position (GRCh38, 1-based): chr22:41,157,375, G>T. VCF-style: chr22-41157375-G-T. GRCh37 (hg19) VCF-style: chr22-41553379-G-T.
Other names: c.3390G>T, p.Val1130= (NM_001362843.2).
Identifiers: ClinVar variation 3898406 (VCV003898406.8).

ClinVar aggregate classification (germline): Likely benign. Review status: criteria provided, multiple submitters, no conflicts (2 of 4 stars). 2 submissions from 2 submitters: Likely benign (2). Last evaluated 2025-04-01.

gnomAD v4.1: 27 of 1,614,018 alleles (0.0017%); highest among the groups gnomAD compares: Non-Finnish European, 0.0016%; no homozygotes.

Submissions (2):

CeGaT Center for Human Genetics Tuebingen
Classification: Likely benign. Last evaluated: 2025-04-01. Review status: criteria provided, single submitter. Criteria: CeGaT Center For Human Genetics Tuebingen Variant Classification Criteria Version 2. Collection method: clinical testing. Allele origin: germline. Affected: yes. Observed: 1 variant allele.
Comment: EP300: BP4, BP7

Blueprint Genetics
Classification: Likely benign. Last evaluated: 2021-04-21. Review status: criteria provided, single submitter. Criteria: ACMG Guidelines, 2015. Collection method: clinical testing. Allele origin: germline.